The following is an entry in ClinVar:

ClinVar aggregate classification (germline): Benign (0 of 4 stars; one submission).

Conditions:
MARCHF10-related disorder. Also called: MARCHF10-related condition.

Allele frequency attached by ClinVar (database versions not stated): 1000 Genomes Project 0.27137; 1000 Genomes Project 30x 0.27733; TOPMed 0.31425; gnomAD 0.31624; ESP Exome Variant Server 0.32354; gnomAD exomes 0.38222.
gnomAD v4.1: 605,488 of 1,613,946 alleles (38%); highest among the groups gnomAD compares: Admixed American, 40%; 117,019 homozygotes.

Submission:

PreventionGenetics, part of Exact Sciences
Classification: Benign for MARCHF10-related condition. Last evaluated: 2019-10-17. Review status: no assertion criteria provided. Collection method: clinical testing. Allele origin: germline.
Comment: This variant is classified as benign based on ACMG/AMP sequence variant interpretation guidelines (Richards et al. 2015 PMID: 25741868, with internal and published modifications).

NM_152598.4(MARCHF10):c.1602C>T (p.Asn534=)

Genes: MARCHF10 (membrane associated ring-CH-type finger 10; minus strand), MARCHF10-AS1 (MARCHF10 antisense RNA 1; plus strand). Cytogenetic location: 17q23.2.
Variant type: single nucleotide variant.
Coding change: c.1602C>T on transcript NM_152598.4 (MANE Select); coding-DNA position 1602, C replaced by T.
Protein change: p.Asn534=; no amino-acid change (asparagine 534 retained).
Molecular consequence: synonymous variant. On other transcripts: non-coding transcript variant (1).
Genome position (GRCh38, 1-based): chr17:62,736,266, G>A on the plus strand (C>T on the coding strand, the complement: MARCHF10 is on the minus strand). VCF-style: chr17-62736266-G-A. GRCh37 (hg19) VCF-style: chr17-60813627-G-A.
Other names: c.1602C>T, p.Asn534= (NM_001100875.3); c.1716C>T, p.Asn572= (NM_001288779.2); c.1599C>T, p.Asn533= (NM_001288780.2).
Identifiers: ClinVar variation 3059368 (VCV003059368.2), dbSNP rs2041283, ClinGen allele CA8696766.
Genomic context (GRCh38, chr17:62,736,266, plus strand): 5'-CTGAGGCTGGCTTGTTAAAGTAGTATCTTCTGCTTCCCTGACAGCAAATTCGTGTGCACT[G>A]TTTACTGGGAAATAATTATGGTTTTCGGCACTGGCAAATGGAGTCCTATTTCTAATGGGA-3'
Protein context (NP_689811.2, residues 524-544): SAENHNYFPV[Asn534=]SAHEFAVREA